The following is an entry in ClinVar:

NM_032119.4(ADGRV1):c.9447+1G>T

Gene: ADGRV1 (adhesion G protein-coupled receptor V1; plus strand). Cytogenetic location: 5q14.3.
Variant type: single nucleotide variant.
Coding change: c.9447+1G>T on transcript NM_032119.4 (MANE Select); the canonical splice donor site of the intron after coding-DNA position 9447, G replaced by T.
Molecular consequence: splice donor variant.
Genome position (GRCh38, 1-based): chr5:90,716,730, G>T. VCF-style: chr5-90716730-G-T. GRCh37 (hg19) VCF-style: chr5-90012547-G-T.
Identifiers: ClinVar variation 3663546 (VCV003663546.2).
Genomic context (GRCh38, chr5:90,716,730, plus strand): 5'-TCTAAAGATCTGACTCCTTCCAAAGGCTATATTGTTTTAGAAGAAGGTGTTCGATTCAAG[G>T]TACAGTAAGAAGCTTTAATGAGAATGGAAGTTTATCTTTAATATTTACAAAATAAATTTC-3'

ClinVar aggregate classification (germline): Likely pathogenic (1 of 4 stars; one submission).

Submission:

Labcorp Genetics (formerly Invitae), Labcorp
Classification: Likely pathogenic. Last evaluated: 2024-08-27. Review status: criteria provided, single submitter. Criteria: Invitae Variant Classification Sherloc (09022015). Collection method: clinical testing. Allele origin: germline.
Comment: This sequence change affects a donor splice site in intron 43 of the ADGRV1 gene. It is expected to disrupt RNA splicing. Variants that disrupt the donor or acceptor splice site typically lead to a loss of protein function (PMID: 16199547), and loss-of-function variants in ADGRV1 are known to be pathogenic (PMID: 19357117, 22135276, 22147658, 26226137, 30718709, 31047384, 32467589). This variant is not present in population databases (gnomAD no frequency). This variant has not been reported in the literature in individuals affected with ADGRV1-related conditions. Algorithms developed to predict the effect of sequence changes on RNA splicing suggest that this variant may disrupt the consensus splice site. In summary, the currently available evidence indicates that the variant is pathogenic, but additional data are needed to prove that conclusively. Therefore, this variant has been classified as Likely Pathogenic.

Literature cited by the submitters: PubMed 16199547; PubMed 19357117; PubMed 22135276; PubMed 22147658; PubMed 26226137; PubMed 30718709; PubMed 31047384; PubMed 32467589.